The following is an entry in ClinVar:

ClinVar aggregate classification (germline): Uncertain significance. Review status: reviewed by expert panel (3 of 4 stars). 2 submissions from 2 submitters: Uncertain significance (1). 1 of the submissions does not count toward it. Last evaluated 2024-01-23.

Conditions:
Severe combined immunodeficiency due to DCLRE1C deficiency (RS-SCID). Also called: SCID, AUTOSOMAL RECESSIVE, T CELL-NEGATIVE, B CELL-NEGATIVE, NK CELL-POSITIVE, WITH SENSITIVITY TO IONIZING RADIATION. Identifiers: Orphanet 275, MedGen C1865371, MONDO:0011225, OMIM 602450.
Inborn genetic diseases. Identifiers: MedGen C0950123, MeSH D030342.

Allele frequency attached by ClinVar (database versions not stated): gnomAD exomes below 0.00001.
gnomAD v4.1: 4 of 1,611,674 alleles (0.00025%); highest among the groups gnomAD compares: East Asian, 0.0067%; no homozygotes.

Submissions (2):

ClinGen Severe Combined Immunodeficiency Variant Curation Expert Panel, ClinGen
Classification: Uncertain significance for Severe combined immunodeficiency due to DCLRE1C deficiency. Last evaluated: 2024-01-23. Review status: reviewed by expert panel. Criteria: ClinGen SCID ACMG Specifications DCLRE1C V1.0.0. Collection method: curation. Allele origin: germline. Inheritance: Autosomal recessive inheritance.
Comment: The c.137C>T (NM_001033855.3) variant in DCLRE1C is a missense variant predicted to cause substitution of Threonine by Isoleucine at amino acid 46 (p.Thr46Ile). The filtering allele frequency (the upper threshold of the 95% CI of 3/39670) of the c.137C>T variant in DCLRE1C is 0.00002005 for East Asian chromosomes by gnomAD v.4, which is lower than the ClinGen SCID VCEP threshold (<0.00003266) for PM2_Supporting, and therefore meets this criterion (PM2_Supporting). No homozygotes have been observed in gnomAD. To our knowledge, this variant has not been reported in the literature in individuals affected with DCLRE1C-related conditions or in functional studies. Due to insufficient evidence, this variant is classified as a variant of uncertain significance for autosomal recessive severe combined immunodeficiency due to DCLRE1C deficiency based on the ACMG/AMP criteria applied, as specified by the ClinGen SCID VCEP: PM2_Supporting (VCEP specifications version 1.0).

Ambry Genetics
Classification: Uncertain significance for Inborn genetic diseases. Last evaluated: 2022-05-09. Review status: criteria provided, single submitter. Criteria: Ambry Variant Classification Scheme 2023. Collection method: clinical testing. Allele origin: germline. Not counted in ClinVar's aggregate classification.

NM_001033855.3(DCLRE1C):c.137C>T (p.Thr46Ile)

Gene: DCLRE1C (DNA cross-link repair 1C; minus strand). Cytogenetic location: 10p13.
Variant type: single nucleotide variant.
Coding change: c.137C>T on transcript NM_001033855.3 (MANE Select); coding-DNA position 137, C replaced by T.
Protein change: p.Thr46Ile; replaces threonine 46 with isoleucine.
Molecular consequence: missense variant. On other transcripts: 5 prime UTR variant (7), non-coding transcript variant (4), intron variant (2).
Genome position (GRCh38, 1-based): chr10:14,949,060, G>A on the plus strand (C>T on the coding strand, the complement: DCLRE1C is on the minus strand). VCF-style: chr10-14949060-G-A. GRCh37 (hg19) VCF-style: chr10-14991059-G-A.
Other names: NM_001033855.3(DCLRE1C):c.137C>T; p.Thr46Ile; c.-309C>T (NM_001033857.3, NM_001350967.2); c.-631C>T (NM_001033858.3); c.-68C>T (NM_001289076.2); c.-355C>T (NM_001289077.2); c.-677C>T (NM_001289079.2); c.137C>T, p.Thr46Ile (NM_001350965.2); and 2 more; short protein forms T46I.
Identifiers: ClinVar variation 2288152 (VCV002288152.3), dbSNP rs1168701627, ClinGen allele CA376064484.